The following is an entry in ClinVar:

ClinVar aggregate classification (germline): Pathogenic/Likely pathogenic. Review status: criteria provided, multiple submitters, no conflicts (2 of 4 stars). 2 submissions from 2 submitters: Pathogenic (1); Likely pathogenic (1). Last evaluated 2023-07-08.

Conditions:
ABCA4-related disorder. Also called: ABCA4-related disorders; ABCA4-related condition. Identifiers: MedGen CN239167.

Submissions (2):

Labcorp Genetics (formerly Invitae), Labcorp
Classification: Pathogenic. Last evaluated: 2023-07-08. Review status: criteria provided, single submitter. Criteria: Invitae Variant Classification Sherloc (09022015). Collection method: clinical testing. Allele origin: germline.
Comment: ClinVar contains an entry for this variant (Variation ID: 1070137). This variant has not been reported in the literature in individuals affected with ABCA4-related conditions. This variant is not present in population databases (gnomAD no frequency). This sequence change creates a premature translational stop signal (p.Asp357Serfs*15) in the ABCA4 gene. It is expected to result in an absent or disrupted protein product. Loss-of-function variants in ABCA4 are known to be pathogenic (PMID: 10958761, 24938718, 25312043, 26780318). For these reasons, this variant has been classified as Pathogenic.

Blueprint Genetics
Classification: Likely pathogenic for ABCA4-related disorders. Last evaluated: 2019-11-11. Review status: criteria provided, single submitter. Criteria: ACMG Guidelines, 2015. Collection method: clinical testing. Allele origin: germline. Affected: yes. Observed: 2 variant alleles.

Literature cited by the submitters: PubMed 10958761 (cited by Labcorp Genetics (formerly Invitae), Labcorp); PubMed 24938718 (cited by Labcorp Genetics (formerly Invitae), Labcorp); PubMed 25312043 (cited by Labcorp Genetics (formerly Invitae), Labcorp); PubMed 26780318 (cited by Labcorp Genetics (formerly Invitae), Labcorp).

NM_000350.3(ABCA4):c.1069_1075del (p.Asp357fs)

Gene: ABCA4 (ATP binding cassette subfamily A member 4; minus strand). Cytogenetic location: 1p22.1.
Variant type: Deletion.
Coding change: c.1069_1075del on transcript NM_000350.3 (MANE Select); coding-DNA positions 1069 to 1075, 7 bases deleted (GATCCTA; older notation c.1069_1075delGATCCTA).
Protein change: p.Asp357fs; shifts the reading frame from aspartic acid 357.
Molecular consequence: frameshift variant.
Genome position (GRCh38, 1-based): chr1:94,080,502-94,080,508, TAGGATC deleted on the plus strand (GATCCTA on the coding strand, the reverse complement: ABCA4 is on the minus strand). VCF-style (leftmost placement, unchanged base first): chr1-94080501-ATAGGATC-A. GRCh37 (hg19) VCF-style: chr1-94546057-ATAGGATC-A.
Other names: c.1069_1075delGATCCTA, p.Asp357Serfs (NM_001425324.1); short protein forms D357fs.
Identifiers: ClinVar variation 1070137 (VCV001070137.8), dbSNP rs2101106559, ClinGen allele CA2499214903.
Genomic context (GRCh38, chr1:94,080,501, plus strand): 5'-GAGAGGCCAATTTATAAGCAGGACTCAGAAAACTTACTTGTTCTTCTGTCATAAGAATAG[ATAGGATC>A]CTTCCTTGTGGAGTCAATCCCCAGAAAGGCCTTATAGTTATTGTCTTCATACCAGTTGAA-3'